The following is an entry in ClinVar:

ClinVar aggregate classification (germline): Conflicting classifications of pathogenicity. Review status: criteria provided, conflicting classifications (1 of 4 stars). 8 submissions from 8 submitters: Uncertain significance (1); Likely benign (6). 1 of the submissions does not count toward it. Last evaluated 2026-01-22.

Conditions:
Hereditary cancer-predisposing syndrome. Also called: Tumor predisposition; Neoplastic Syndromes, Hereditary; Hereditary neoplastic syndrome; Hereditary Cancer Syndrome. Identifiers: Orphanet 140162, MedGen C0027672, MeSH D009386, MONDO:0015356.
POLE-related disorder. Also called: POLE-related disorders; POLE-related condition.

Allele frequency attached by ClinVar (database versions not stated): ExAC 0.00001; gnomAD exomes 0.00001; gnomAD 0.00010 and 0.00011; TOPMed 0.00010.
gnomAD v4.1: 26 of 1,614,120 alleles (0.0016%); highest among the groups gnomAD compares: African/African-American, 0.017%; no homozygotes.

Submissions (8):

Labcorp Genetics (formerly Invitae), Labcorp
Classification: Likely benign. Last evaluated: 2026-01-22. Review status: criteria provided, single submitter. Criteria: Invitae Variant Classification Sherloc (09022015). Collection method: clinical testing. Allele origin: germline.

ARUP Laboratories, Molecular Genetics and Genomics, ARUP Laboratories
Classification: Likely benign. Last evaluated: 2025-05-06. Review status: criteria provided, single submitter. Criteria: ARUP Molecular Germline Variant Investigation Process 2024. Collection method: clinical testing. Allele origin: germline.

Blueprint Genetics
Classification: Likely benign. Last evaluated: 2022-07-14. Review status: criteria provided, single submitter. Criteria: ACMG Guidelines, 2015. Collection method: clinical testing. Allele origin: germline.

Women's Health and Genetics/Laboratory Corporation of America, LabCorp
Classification: Likely benign. Last evaluated: 2020-02-13. Review status: criteria provided, single submitter. Criteria: LabCorp Variant Classification Summary - May 2015. Collection method: clinical testing. Allele origin: germline.

GeneDx
Classification: Likely benign. Last evaluated: 2019-01-03. Review status: criteria provided, single submitter. Criteria: GeneDx Variant Classification Process June 2021. Collection method: clinical testing. Allele origin: germline. Affected: yes.

Quest Diagnostics Nichols Institute San Juan Capistrano
Classification: Uncertain significance. Last evaluated: 2017-02-02. Review status: criteria provided, single submitter. Criteria: Quest Diagnostics criteria. Collection method: clinical testing. Allele origin: germline.

Ambry Genetics
Classification: Likely benign for Hereditary cancer-predisposing syndrome. Last evaluated: 2016-03-02. Review status: criteria provided, single submitter. Criteria: Ambry Variant Classification Scheme 2023. Collection method: clinical testing. Allele origin: germline.

PreventionGenetics, part of Exact Sciences
Classification: Likely benign for POLE-related condition. Last evaluated: 2019-04-29. Review status: no assertion criteria provided. Collection method: clinical testing. Allele origin: germline. Not counted in ClinVar's aggregate classification.
Comment: This variant is classified as likely benign based on ACMG/AMP sequence variant interpretation guidelines (Richards et al. 2015 PMID: 25741868, with internal and published modifications).

NM_006231.4(POLE):c.3763T>C (p.Leu1255=)

Gene: POLE (DNA polymerase epsilon, catalytic subunit; minus strand). Cytogenetic location: 12q24.33.
Variant type: single nucleotide variant.
Coding change: c.3763T>C on transcript NM_006231.4 (MANE Select); coding-DNA position 3763, T replaced by C.
Protein change: p.Leu1255=; no amino-acid change (leucine 1255 retained).
Molecular consequence: synonymous variant.
Genome position (GRCh38, 1-based): chr12:132,649,709, A>G on the plus strand (T>C on the coding strand, the complement: POLE is on the minus strand). VCF-style: chr12-132649709-A-G. GRCh37 (hg19) VCF-style: chr12-133226295-A-G.
Identifiers: ClinVar variation 383934 (VCV000383934.23), dbSNP rs745838504, ClinGen allele CA6893119.